The following is an entry in ClinVar:

ClinVar aggregate classification (germline): Uncertain significance (1 of 4 stars; one submission).

gnomAD v4.1: 3 of 1,338,444 alleles (0.00022%); highest among the groups gnomAD compares: Non-Finnish European, 0.00029%; no homozygotes.

Submission:

Labcorp Genetics (formerly Invitae), Labcorp
Classification: Uncertain significance. Last evaluated: 2024-05-06. Review status: criteria provided, single submitter. Criteria: Invitae Variant Classification Sherloc (09022015). Collection method: clinical testing. Allele origin: germline.
Comment: This sequence change replaces alanine, which is neutral and non-polar, with serine, which is neutral and polar, at codon 142 of the ARID1A protein (p.Ala142Ser). This variant is not present in population databases (gnomAD no frequency). This variant has not been reported in the literature in individuals affected with ARID1A-related conditions. Advanced modeling of protein sequence and biophysical properties (such as structural, functional, and spatial information, amino acid conservation, physicochemical variation, residue mobility, and thermodynamic stability) performed at Invitae indicates that this missense variant is not expected to disrupt ARID1A protein function with a negative predictive value of 95%. In summary, the available evidence is currently insufficient to determine the role of this variant in disease. Therefore, it has been classified as a Variant of Uncertain Significance.

NM_006015.6(ARID1A):c.424G>T (p.Ala142Ser)

Gene: ARID1A (AT-rich interaction domain 1A; plus strand). Cytogenetic location: 1p36.11.
Variant type: single nucleotide variant.
Coding change: c.424G>T on transcript NM_006015.6 (MANE Select); coding-DNA position 424, G replaced by T.
Protein change: p.Ala142Ser; replaces alanine 142 with serine.
Molecular consequence: missense variant.
Genome position (GRCh38, 1-based): chr1:26,696,827, G>T. VCF-style: chr1-26696827-G-T. GRCh37 (hg19) VCF-style: chr1-27023318-G-T.
Other names: c.424G>T, p.Ala142Ser (NM_139135.4); short protein forms A142S.
Identifiers: ClinVar variation 3676651 (VCV003676651.2).